The following is an entry in ClinVar:

NM_001379270.1(CNGA1):c.636del (p.Phe212fs)

Genes: CNGA1 (cyclic nucleotide gated channel subunit alpha 1; minus strand), LOC101927157 (uncharacterized LOC101927157; plus strand). Cytogenetic location: 4p12.
Variant type: Deletion.
Coding change: c.636del on transcript NM_001379270.1 (MANE Select); coding-DNA position 636, one base deleted (T; older notation c.636delT).
Protein change: p.Phe212fs; shifts the reading frame from phenylalanine 212.
Molecular consequence: frameshift variant.
Genome position (GRCh38, 1-based): chr4:47,940,779, A deleted on the plus strand (T on the coding strand, the reverse complement: CNGA1 is on the minus strand); the first of 3 consecutive A bases (chr4:47,940,779-47,940,781); deleting any one gives the same sequence. VCF-style (leftmost placement, unchanged base first): chr4-47940778-CA-C. GRCh37 (hg19) VCF-style: chr4-47942795-CA-C.
Other names: c.636del, p.Phe212fs (NM_000087.5, NM_001142564.2); c.646delT, p.Phe216Leufs (NM_001375386.1); short protein forms F212fs.
Identifiers: ClinVar variation 2855460 (VCV002855460.4), dbSNP rs1739025907, ClinGen allele CA913106816.
Genomic context (GRCh38, chr4:47,940,778, plus strand): 5'-ATAAAAGCATGAAATTTTAAAATATTCAAAACTGAACATATTTACCTGTCCTTGTTCGTA[CA>C]AACATATCGATTAAATAGACTATGTCTGATACGTAATCCAAAATGAGCCAATATTCTAGG-3'

ClinVar aggregate classification (germline): Pathogenic/Likely pathogenic. Review status: criteria provided, multiple submitters, no conflicts (2 of 4 stars). 2 submissions from 2 submitters: Pathogenic (1); Likely pathogenic (1). Last evaluated 2024-09-13.

Conditions:
CNGA1-related disorder. Also called: CNGA1-related condition.

Submissions (2):

Blueprint Genetics
Classification: Likely pathogenic for CNGA1-related disorders. Last evaluated: 2024-09-13. Review status: criteria provided, single submitter. Criteria: ACMG Guidelines, 2015. Collection method: clinical testing. Allele origin: germline. Affected: yes. Observed: 2 variant alleles.

Labcorp Genetics (formerly Invitae), Labcorp
Classification: Pathogenic. Last evaluated: 2023-07-16. Review status: criteria provided, single submitter. Criteria: Invitae Variant Classification Sherloc (09022015). Collection method: clinical testing. Allele origin: germline.
Comment: For these reasons, this variant has been classified as Pathogenic. This variant disrupts a region of the CNGA1 protein in which other variant(s) (p.Arg658Aspfs*2) have been determined to be pathogenic (PMID: 7479749, 24265693). This suggests that this is a clinically significant region of the protein, and that variants that disrupt it are likely to be disease-causing. This variant has not been reported in the literature in individuals affected with CNGA1-related conditions. This variant is not present in population databases (gnomAD no frequency). This sequence change creates a premature translational stop signal (p.Phe216Leufs*9) in the CNGA1 gene. While this is not anticipated to result in nonsense mediated decay, it is expected to disrupt the last 475 amino acid(s) of the CNGA1 protein.

Literature cited by the submitters: PubMed 7479749 (cited by Labcorp Genetics (formerly Invitae), Labcorp); PubMed 24265693 (cited by Labcorp Genetics (formerly Invitae), Labcorp).